The following is an entry in ClinVar:

NM_006302.3(MOGS):c.900G>T (p.Leu300Phe)

Gene: MOGS (mannosyl-oligosaccharide glucosidase; minus strand). Cytogenetic location: 2p13.1.
Variant type: single nucleotide variant.
Coding change: c.900G>T on transcript NM_006302.3 (MANE Select); coding-DNA position 900, G replaced by T.
Protein change: p.Leu300Phe; replaces leucine 300 with phenylalanine.
Molecular consequence: missense variant.
Genome position (GRCh38, 1-based): chr2:74,462,889, C>A on the plus strand (G>T on the coding strand, the complement: MOGS is on the minus strand). VCF-style: chr2-74462889-C-A. GRCh37 (hg19) VCF-style: chr2-74690016-C-A.
Other names: c.900G>T, p.Leu300Phe (LRG_1226t1); c.582G>T, p.Leu194Phe (NM_001146158.2); short protein forms L300F, L194F.
Identifiers: ClinVar variation 534239 (VCV000534239.8), dbSNP rs886745696, ClinGen allele CA50476293.

ClinVar aggregate classification (germline): Uncertain significance (1 of 4 stars; one submission).

Conditions:
MOGS-congenital disorder of glycosylation. Also called: CDG IIb; GLUCOSIDASE I DEFICIENCY; CDG 2B; MOGS-CDG. Identifiers: Orphanet 79330, MedGen C1853736, MONDO:0011629, OMIM 606056.

Allele frequency attached by ClinVar (database versions not stated): gnomAD exomes below 0.00001; TOPMed 0.00002.
gnomAD v4.1: 33 of 1,614,034 alleles (0.002%); highest among the groups gnomAD compares: Non-Finnish European, 0.0026%; no homozygotes.

Submission:

Labcorp Genetics (formerly Invitae), Labcorp
Classification: Uncertain significance for MOGS-congenital disorder of glycosylation. Last evaluated: 2021-01-26. Review status: criteria provided, single submitter. Criteria: Invitae Variant Classification Sherloc (09022015). Collection method: clinical testing. Allele origin: germline.
Comment: This variant is not present in population databases (ExAC no frequency). This sequence change replaces leucine with phenylalanine at codon 300 of the MOGS protein (p.Leu300Phe). The leucine residue is moderately conserved and there is a small physicochemical difference between leucine and phenylalanine. This variant has not been reported in the literature in individuals with MOGS-related disease. Algorithms developed to predict the effect of missense changes on protein structure and function do not agree on the potential impact of this missense change (SIFT: "Deleterious"; PolyPhen-2: "Possibly Damaging"; Align-GVGD: "Class C0"). In summary, the available evidence is currently insufficient to determine the role of this variant in disease. Therefore, it has been classified as a Variant of Uncertain Significance.